The following is an entry in ClinVar:

NM_004364.5(CEBPA):c.568T>C (p.Ser190Pro)

Gene: CEBPA (CCAAT enhancer binding protein alpha; minus strand). Cytogenetic location: 19q13.11.
Variant type: single nucleotide variant.
Coding change: c.568T>C on transcript NM_004364.5 (MANE Select); coding-DNA position 568, T replaced by C.
Protein change: p.Ser190Pro; replaces serine 190 with proline.
Molecular consequence: missense variant.
Genome position (GRCh38, 1-based): chr19:33,301,847, A>G on the plus strand (T>C on the coding strand, the complement: CEBPA is on the minus strand). VCF-style: chr19-33301847-A-G. GRCh37 (hg19) VCF-style: chr19-33792753-A-G.
Other names: c.211T>C, p.Ser71Pro (NM_001285829.2); c.673T>C, p.Ser225Pro (NM_001287424.2); c.526T>C, p.Ser176Pro (NM_001287435.2); short protein forms S176P, S190P, S225P, S71P.
Identifiers: ClinVar variation 1009032 (VCV001009032.8), dbSNP rs867463920, ClinGen allele CA307844282.

ClinVar aggregate classification (germline): Uncertain significance. Review status: criteria provided, multiple submitters, no conflicts (2 of 4 stars). 2 submissions from 2 submitters: Uncertain significance (2). Last evaluated 2025-08-07.

Conditions:
Acute myeloid leukemia (AML). Also called: Acute myeloid leukemia, adult; AML adult; Acute non-lymphocytic leukemia; Acute granulocytic leukemia; Leukemia, acute myelogenous, somatic; Leukemia, acute myeloid, somatic. Identifiers: Orphanet 519, MedGen C0023467, MeSH D015470, MONDO:0018874, OMIM 601626, HP:0004808. Disease mechanism: Constitutively activated FLT3.

Allele frequency attached by ClinVar (database versions not stated): TOPMed below 0.00001; gnomAD 0.00001; gnomAD exomes 0.00002 and 0.00003; 1000 Genomes Project 30x 0.00016.

Submissions (2):

Labcorp Genetics (formerly Invitae), Labcorp
Classification: Uncertain significance for Acute myeloid leukemia. Last evaluated: 2025-08-07. Review status: criteria provided, single submitter. Criteria: Invitae Variant Classification Sherloc (09022015). Collection method: clinical testing. Allele origin: germline.
Comment: This sequence change replaces serine, which is neutral and polar, with proline, which is neutral and non-polar, at codon 190 of the CEBPA protein (p.Ser190Pro). The frequency data for this variant in the population databases is considered unreliable, as metrics indicate poor data quality at this position in the gnomAD database. This variant has not been reported in the literature in individuals affected with CEBPA-related conditions. ClinVar contains an entry for this variant (Variation ID: 1009032). An algorithm developed to predict the effect of missense changes on protein structure and function outputs the following: PolyPhen-2: "Benign". The proline amino acid residue is found in multiple mammalian species, which suggests that this missense change does not adversely affect protein function. In summary, the available evidence is currently insufficient to determine the role of this variant in disease. Therefore, it has been classified as a Variant of Uncertain Significance.

Institute for Clinical Genetics, University Hospital TU Dresden, University Hospital TU Dresden
Classification: Uncertain significance. Last evaluated: 2021-11-03. Review status: criteria provided, single submitter. Criteria: ACMG Guidelines, 2015. Collection method: clinical testing. Allele origin: germline.